The following is an entry in ClinVar:

NM_001283009.2(RTEL1):c.396-50T>C

Genes: RTEL1 (regulator of telomere elongation helicase 1; plus strand), RTEL1-TNFRSF6B (RTEL1-TNFRSF6B readthrough (NMD candidate); plus strand). Cytogenetic location: 20q13.33.
Variant type: single nucleotide variant.
Coding change: c.396-50T>C on transcript NM_001283009.2 (MANE Select); 50 bases into the intron before coding-DNA position 396, T replaced by C.
Molecular consequence: intron variant. On other transcripts: missense variant (1).
Genome position (GRCh38, 1-based): chr20:63,662,496, T>C. VCF-style: chr20-63662496-T-C. GRCh37 (hg19) VCF-style: chr20-62293849-T-C.
Other names: c.418T>C, p.Trp140Arg (NM_032957.5); c.-274-50T>C (NM_001283010.1); c.396-50T>C (NM_016434.4); short protein forms W140R.
Identifiers: ClinVar variation 540938 (VCV000540938.1), dbSNP rs1555899781, ClinGen allele CA409669264.

ClinVar aggregate classification (germline): Uncertain significance (1 of 4 stars; one submission).

Conditions:
Dyskeratosis congenita, autosomal recessive 5 (DKCB5). Identifiers: MedGen C3554656, MONDO:0014076, OMIM 615190.
Pulmonary fibrosis and/or bone marrow failure, Telomere-related, 3. Also called: PULMONARY FIBROSIS AND/OR BONE MARROW FAILURE SYNDROME, TELOMERE-RELATED, 3. Identifiers: Orphanet 2032, MedGen C4225346, MONDO:0014613, OMIM 616373.

Submission:

Labcorp Genetics (formerly Invitae), Labcorp
Classification: Uncertain significance for Dyskeratosis congenita, autosomal recessive 5; Pulmonary fibrosis and/or bone marrow failure, Telomere-related, 3. Last evaluated: 2017-08-15. Review status: criteria provided, single submitter. Criteria: Invitae Variant Classification Sherloc (09022015). Collection method: clinical testing. Allele origin: germline.
Comment: This sequence change replaces tryptophan with arginine at codon 140 of the RTEL1 protein (p.Trp140Arg). The tryptophan residue is weakly conserved and there is a moderate physicochemical difference between tryptophan and arginine. This variant is not present in population databases (ExAC no frequency). This variant has not been reported in the literature in individuals with RTEL1-related disease. Algorithms developed to predict the effect of missense changes on protein structure and function do not agree on the potential impact of this missense change (SIFT: "Deleterious"; PolyPhen-2: "Benign"; Align-GVGD: "Class C0"). In summary, the available evidence is currently insufficient to determine the role of this variant in disease. Therefore, it has been classified as a Variant of Uncertain Significance.